The following is an entry in ClinVar:

ClinVar aggregate classification (germline): Conflicting classifications of pathogenicity. Review status: criteria provided, conflicting classifications (1 of 4 stars). 27 submissions from 25 submitters: Pathogenic (2); Likely pathogenic (12); Uncertain significance (12). 1 of the submissions does not count toward it. Last evaluated 2026-09-22.

Conditions:
Adult polyglucosan body disease (APBN). Also called: POLYGLUCOSAN BODY DISEASE, ADULT FORM; GBE1-Adult Polyglucosan Body Disease. Identifiers: Orphanet 206583, MedGen C1849722, MONDO:0009897, OMIM 263570.
Glycogen storage disease IV, classic hepatic. Also called: GSD IV, CLASSIC HEPATIC. Identifiers: MedGen C1856301.
Glycogen storage disease, type IV (GSD4). Also called: Glycogen storage disease due to glycogen branching enzyme deficiency; GBE1 DEFICIENCY; GLYCOGEN BRANCHING ENZYME DEFICIENCY; GLYCOGENOSIS IV; GSD IV; AMYLOPECTINOSIS. Identifiers: Orphanet 367, MedGen C0017923, MONDO:0009292, OMIM 232500.
GBE1-related disorder. Also called: GBE1-related condition; GBE1-related disorders. Identifiers: MedGen CN239402.

Allele frequency attached by ClinVar (database versions not stated): 1000 Genomes Project 30x 0.00016; 1000 Genomes Project 0.00020; gnomAD 0.00029; TOPMed 0.00053.
gnomAD v4.1: 883 of 1,597,402 alleles (0.055%); highest among the groups gnomAD compares: Middle Eastern, 1.1%; 5 homozygotes.

Submissions 1 to 8 of 27:

PreventionGenetics, part of Exact Sciences
Classification: Uncertain significance for GBE1-related condition. Last evaluated: 2026-09-22. Review status: criteria provided, single submitter. Criteria: ACMG Guidelines, 2015. Collection method: clinical testing. Allele origin: germline.
Comment: The GBE1 c.986A>G variant is predicted to result in the amino acid substitution p.Tyr329Cys. This variant has been reported in the compound heterozygous state in five patients affected with adult polyglucosan body disease (APBD), four of which were of Ashkenazi Jewish ancestry (Mochel et al. 2012. PubMed ID: 23034915). The results of functional assays and genetic segregation data were not clearly presented in this study; in the absence of such conclusive results the authors concluded that the c.986A>G variant was likely pathogenic. Of note, a change involving the same amino acid (p.Tyr329Ser) has been reported to be causative for glycogen storage disease type IV as well as for APBD (Bao et al. 1996. PubMed ID: 8613547; Lossos et al. 1998. PubMed ID: 9851430). The c.986A>G (p.Tyr329Cys) variant is present at a minor allele frequency of up to ~0.088% in gnomAD, with 1 homozygote listed. Taken together, although we suspect that this variant may be pathogenic, at this time, the clinical significance of this variant is uncertain due to the absence of conclusive functional and genetic evidence.

CeGaT Center for Human Genetics Tuebingen
Classification: Likely pathogenic. Last evaluated: 2026-07-01. Review status: criteria provided, single submitter. Criteria: CeGaT Center For Human Genetics Tuebingen Variant Classification Criteria Version 2. Collection method: clinical testing. Allele origin: germline. Affected: yes. Observed: 3 variant alleles.
Comment: GBE1: PM3:Strong, PM5, PM2:Supporting

Labcorp Genetics (formerly Invitae), Labcorp
Classification: Likely pathogenic for Glycogen storage disease, type IV; Glycogen storage disease IV, classic hepatic. Last evaluated: 2026-01-20. Review status: criteria provided, single submitter. Criteria: Invitae Variant Classification Sherloc (09022015). Collection method: clinical testing. Allele origin: germline.
Comment: This sequence change replaces tyrosine, which is neutral and polar, with cysteine, which is neutral and slightly polar, at codon 329 of the GBE1 protein (p.Tyr329Cys). This variant is present in population databases (rs80338671, gnomAD 0.08%), including at least one homozygous and/or hemizygous individual. This missense change has been observed in individuals with adult polyglucosan body disease (PMID: 23034915). ClinVar contains an entry for this variant (Variation ID: 371439). Invitae Evidence Modeling of protein sequence and biophysical properties (such as structural, functional, and spatial information, amino acid conservation, physicochemical variation, residue mobility, and thermodynamic stability) indicates that this missense variant is expected to disrupt GBE1 protein function with a positive predictive value of 95%. This variant disrupts the p.Tyr329 amino acid residue in GBE1. Other variant(s) that disrupt this residue have been determined to be pathogenic (PMID: 8613547, 25665141, 26199317, 26385640). This suggests that this residue is clinically significant, and that variants that disrupt this residue are likely to be disease-causing. In summary, the currently available evidence indicates that the variant is pathogenic, but additional data are needed to prove that conclusively. Therefore, this variant has been classified as Likely Pathogenic.

Myriad Genetics, Inc.
Classification: Likely pathogenic for Glycogen storage disease, type IV. Last evaluated: 2025-10-30. Review status: criteria provided, single submitter. Criteria: Myriad Autosomal Dominant, Autosomal Recessive and X-Linked Classification Criteria (2023). Collection method: clinical testing. Allele origin: unknown.
Comment: NM_000158.3(GBE1):c.986A>G(Y329C) is a missense variant classified as likely pathogenic in the context of glycogen storage disease, GBE1-related. Y329C has been observed in cases with relevant disease (PMID: 31209396, 23034915, 38592052, 27528516, 30293248, 31319225, 31980526, 38127101). Relevant functional assessments of this variant are not available in the literature. Internal structural analysis of the variant is supportive of pathogenicity. Y329C has been observed in referenced population frequency databases. In summary, NM_000158.3(GBE1):c.986A>G(Y329C) is a missense variant that has internal structural support for pathogenicity and has been observed more frequently in cases with the relevant disease than in healthy populations. Please note: this variant was assessed in the context of healthy population screening.

Natera, Inc.
Classification: Likely pathogenic for Glycogen storage disease type IV. Last evaluated: 2025-10-22. Review status: criteria provided, single submitter. Criteria: Natera Variant Classification Schema (03/2026). Collection method: clinical testing. Allele origin: germline.
Comment: The c.986A>G variant in GBE1 is a missense variant predicted to cause substitution of tyrosine to cysteine at amino acid 329. This variant is rare in the general population with a frequency below the threshold expected for the associated phenotype(s). This variant has been observed in one or more individuals affected with the associated recessive disease, as either homozygous or compound heterozygous with a second variant (PMID: 30293248). A different variant at the same position has been determined to be Pathogenic or Likely Pathogenic. Computational prediction algorithms indicate this variant is likely to affect gene or protein function. Given the available evidence, this variant is classified as Likely Pathogenic.

GeneDx
Classification: Uncertain significance. Last evaluated: 2025-09-12. Review status: criteria provided, single submitter. Criteria: GeneDx Variant Classification Process June 2021. Collection method: clinical testing. Allele origin: germline. Affected: yes.
Comment: Observed in apparent homozygous state in an infant with persistent fever, cough, shortening of proximal extremities, and dysmorphic features (PMID: 38592052); Observed in apparent homozygous state in an adult with progressive weakness in extremities, dyspnea, dysphagia, and abnormal EMG (PMID: 38127101); In silico analysis supports that this missense variant has a deleterious effect on protein structure/function; This variant is associated with the following publications: (PMID: 31980526, 31207142, 31319225, 31209396, 8613547, 30293248, 34426522, 34297361, 36703223, 37510298, 38592052, 38127101, 23034915, 9851430, 25665141, 27528516, 39411402)

Mayo Clinic Laboratories, Mayo Clinic
Classification: Pathogenic. Last evaluated: 2025-07-10. Review status: criteria provided, single submitter. Criteria: ACMG Guidelines, 2015. Collection method: clinical testing. Allele origin: germline. Observed: 6 variant alleles.
Comment: PP3_strong, PP4, PM1, PM3_strong, PM5, PS4_moderate

Women's Health and Genetics/Laboratory Corporation of America, LabCorp
Classification: Pathogenic for Glycogen storage disease, type IV. Last evaluated: 2025-06-13. Review status: criteria provided, single submitter. Criteria: LabCorp Variant Classification Summary - May 2015. Collection method: clinical testing. Allele origin: germline.
Comment: Variant summary: GBE1 c.986A>G (p.Tyr329Cys) results in a non-conservative amino acid change located in the Glycosyl hydrolase, family 13, catalytic domain (IPR006047) of the encoded protein sequence. Algorithms developed to predict the effect of missense changes on protein structure and function all suggest that this variant is likely to be disruptive. The variant allele was found at a frequency of 0.00045 in 248464 control chromosomes, predominantly at a frequency of 0.00088 within the South Asian subpopulation in the gnomAD database, including 1 homozygotes. This frequency is not significantly higher than estimated for a pathogenic variant in GBE1 causing Glycogen Storage Disease, Type IV (0.00045 vs 0.0013), allowing no conclusion about variant significance. c.986A>G has been observed in multiple compound heterozygous and homozygous individuals affected with Glycogen Storage Disease, Type IV (Mochel_2012, Nair_2018). These data indicate that the variant is very likely to be associated with disease. A different variant affecting the same codon has been classified as likely pathogenic/pathogenic by our lab (c.986A>C, p.Tyr329Ser), supporting the critical relevance of codon 329 to GBE1 protein function. To our knowledge, no experimental evidence demonstrating an impact on protein function has been reported. The following publications have been ascertained in the context of this evaluation (PMID: 31207142, 31980526, 31209396, 31319225, 34426522, 27528516, 23034915, 30293248, 28716262). ClinVar contains an entry for this variant (Variation ID: 371439). Based on the evidence outlined above, the variant was classified as pathogenic.

NM_000158.4(GBE1):c.986A>G (p.Tyr329Cys)

Gene: GBE1 (1,4-alpha-glucan branching enzyme 1; minus strand). Cytogenetic location: 3p12.2.
Variant type: single nucleotide variant.
Coding change: c.986A>G on transcript NM_000158.4 (MANE Select); coding-DNA position 986, A replaced by G.
Protein change: p.Tyr329Cys; replaces tyrosine 329 with cysteine.
Molecular consequence: missense variant.
Genome position (GRCh38, 1-based): chr3:81,642,787, T>C on the plus strand (A>G on the coding strand, the complement: GBE1 is on the minus strand). VCF-style: chr3-81642787-T-C. GRCh37 (hg19) VCF-style: chr3-81691938-T-C.
Other names: NM_000158.4(GBE1):c.986A>G; p.Tyr329Cys; short protein forms Y329C.
Identifiers: ClinVar variation 371439 (VCV000371439.84), dbSNP rs80338671, ClinGen allele CA2499826.
Genomic context (GRCh38, chr3:81,642,787, plus strand): 5'-AAATTAATGTTAAACAGCAACAATAGAAAACATTTCTATATTGTATGTACCTACCTGGAG[T>C]AGGCAAACAATCTGCTATCCCAAAGATCATGAGTCCCTCTAGGTCCAGAATGAAAATAAC-3'
Protein context (NP_000149.4, residues 319-339): HDLWDSRLFA[Tyr329Cys]SSWEILRFLL